The following is an entry in ClinVar:

ClinVar aggregate classification (germline): Uncertain significance (1 of 4 stars; one submission).

Conditions:
Charcot-Marie-Tooth disease type 2. Also called: Charcot-Marie-Tooth type 2. Identifiers: Orphanet 64746, MedGen C0270914, MONDO:0018993.

Submission:

Labcorp Genetics (formerly Invitae), Labcorp
Classification: Uncertain significance for Charcot-Marie-Tooth disease type 2. Last evaluated: 2024-10-19. Review status: criteria provided, single submitter. Criteria: Invitae Variant Classification Sherloc (09022015). Collection method: clinical testing. Allele origin: germline.
Comment: This sequence change replaces glycine, which is neutral and non-polar, with aspartic acid, which is acidic and polar, at codon 57 of the GARS protein (p.Gly57Asp). The frequency data for this variant in the population databases is considered unreliable, as metrics indicate poor data quality at this position in the gnomAD database. This variant has not been reported in the literature in individuals affected with GARS-related conditions. An algorithm developed to predict the effect of missense changes on protein structure and function (PolyPhen-2) suggests that this variant is likely to be tolerated. In summary, the available evidence is currently insufficient to determine the role of this variant in disease. Therefore, it has been classified as a Variant of Uncertain Significance.

NM_002047.4(GARS1):c.170_171delinsAT (p.Gly57Asp)

Gene: GARS1 (glycyl-tRNA synthetase 1; plus strand). Cytogenetic location: 7p14.3.
Variant type: Indel.
Coding change: c.170_171delinsAT on transcript NM_002047.4 (MANE Select); coding-DNA positions 170 to 171, GC replaced by AT.
Protein change: p.Gly57Asp; replaces glycine 57 with aspartic acid.
Molecular consequence: missense variant.
Genome position (GRCh38, 1-based): chr7:30,595,091-30,595,092, GC replaced by AT. VCF-style: chr7-30595091-GC-AT. GRCh37 (hg19) VCF-style: chr7-30634707-GC-AT.
Other names: c.8_9delinsAT, p.Gly3Asp (NM_001316772.1); short protein forms G3D, G57D.
Identifiers: ClinVar variation 3704430 (VCV003704430.2).